The following is an entry in ClinVar:

ClinVar aggregate classification (germline): Uncertain significance (1 of 4 stars; one submission).

gnomAD v4.1: 3 of 1,613,898 alleles (0.00019%); highest among the groups gnomAD compares: Non-Finnish European, 0.000085%; no homozygotes.

Submission:

Labcorp Genetics (formerly Invitae), Labcorp
Classification: Uncertain significance. Last evaluated: 2025-12-23. Review status: criteria provided, single submitter. Criteria: Invitae Variant Classification Sherloc (09022015). Collection method: clinical testing. Allele origin: germline.
Comment: This sequence change replaces glycine, which is neutral and non-polar, with serine, which is neutral and polar, at codon 1731 of the DSCAML1 protein (p.Gly1731Ser). The frequency data for this variant in the population databases is considered unreliable, as metrics indicate poor data quality at this position in the gnomAD database. This variant has not been reported in the literature in individuals affected with DSCAML1-related conditions. An algorithm developed to predict the effect of missense changes on protein structure and function (PolyPhen-2) suggests that this variant is likely to be tolerated. In summary, the available evidence is currently insufficient to determine the role of this variant in disease. Therefore, it has been classified as a Variant of Uncertain Significance.

NM_020693.4(DSCAML1):c.5011G>A (p.Gly1671Ser)

Gene: DSCAML1 (DS cell adhesion molecule like 1; minus strand). Cytogenetic location: 11q23.3.
Variant type: single nucleotide variant.
Coding change: c.5011G>A on transcript NM_020693.4 (MANE Select); coding-DNA position 5011, G replaced by A.
Protein change: p.Gly1671Ser; replaces glycine 1671 with serine.
Molecular consequence: missense variant.
Genome position (GRCh38, 1-based): chr11:117,433,153, C>T on the plus strand (G>A on the coding strand, the complement: DSCAML1 is on the minus strand). VCF-style: chr11-117433153-C-T. GRCh37 (hg19) VCF-style: chr11-117303869-C-T.
Other names: short protein forms G1671S.
Identifiers: ClinVar variation 4690874 (VCV004690874.1).
Genomic context (GRCh38, chr11:117,433,153, plus strand): 5'-AAGCACACCCAGCAGGACAGGGAACTTGTGGCACCTGTCACTCACCCAGTTGCTTGATGC[C>T]TTCTTTGTCCTCGATGAGCAGCTGGACCCTGGGGATGTCAATGTGTAGCCGTGGGCCCTG-3'
Protein context (NP_065744.3, residues 1661-1681): RVQLLIEDKE[Gly1671Ser]IKQLGDDKAT